The following is an entry in ClinVar:

ClinVar aggregate classification (germline): Uncertain significance (1 of 4 stars; one submission).

Conditions:
Combined immunodeficiency due to ORAI1 deficiency. Also called: IMMUNODEFICIENCY 9. Identifiers: Orphanet 169090, Orphanet 317428, MedGen C2748568, MONDO:0013007, OMIM 612782.
Myopathy, tubular aggregate, 2 (TAM2). Identifiers: MedGen C4014557, MONDO:0014383, OMIM 615883.

Allele frequency attached by ClinVar (database versions not stated): ExAC 0.00002.

Submission:

Labcorp Genetics (formerly Invitae), Labcorp
Classification: Uncertain significance for Myopathy, tubular aggregate, 2; Combined immunodeficiency due to ORAI1 deficiency. Last evaluated: 2022-04-25. Review status: criteria provided, single submitter. Criteria: Invitae Variant Classification Sherloc (09022015). Collection method: clinical testing. Allele origin: germline.
Comment: Experimental studies and prediction algorithms are not available or were not evaluated, and the functional significance of this variant is currently unknown. This variant has not been reported in the literature in individuals affected with ORAI1-related conditions. This variant is present in population databases (rs782722476, gnomAD 0.003%). This sequence change replaces valine, which is neutral and non-polar, with phenylalanine, which is neutral and non-polar, at codon 224 of the ORAI1 protein (p.Val224Phe). In summary, the available evidence is currently insufficient to determine the role of this variant in disease. Therefore, it has been classified as a Variant of Uncertain Significance.

NC_000012.12:g.121641407G>T

Gene: ORAI1 (ORAI calcium release-activated calcium modulator 1; plus strand). Cytogenetic location: 12q24.31.
Variant type: single nucleotide variant.
Genome position: GRCh38 VCF-style: chr12-121641407-G-T. GRCh37 (hg19) VCF-style: chr12-122079313-G-T.
Other names: c.670G>T, p.Val224Phe (NM_032790.4); short protein forms V224F.
Identifiers: ClinVar variation 1952225 (VCV001952225.5), dbSNP rs782722476, ClinGen allele CA6837541.